The following is an entry in ClinVar:

NM_144773.4(PROKR2):c.506C>T (p.Thr169Met)

Gene: PROKR2 (prokineticin receptor 2; minus strand). Cytogenetic location: 20p12.3.
Variant type: single nucleotide variant.
Coding change: c.506C>T on transcript NM_144773.4 (MANE Select); coding-DNA position 506, C replaced by T.
Protein change: p.Thr169Met; replaces threonine 169 with methionine.
Molecular consequence: missense variant.
Genome position (GRCh38, 1-based): chr20:5,302,689, G>A on the plus strand (C>T on the coding strand, the complement: PROKR2 is on the minus strand). VCF-style: chr20-5302689-G-A. GRCh37 (hg19) VCF-style: chr20-5283335-G-A.
Other names: short protein forms T169M.
Identifiers: ClinVar variation 898720 (VCV000898720.4), dbSNP rs527771034, ClinGen allele CA9754328.

ClinVar aggregate classification (germline): Likely benign (1 of 4 stars; one submission).

Conditions:
Hypogonadotropic hypogonadism 3 with or without anosmia (HH3). Also called: PROKR2-Related GnRH Deficiency (Kallmann Syndrome 3); HYPOGONADOTROPIC HYPOGONADISM 3 WITH ANOSMIA. Identifiers: Orphanet 478, MedGen C3550478, MONDO:0009482, OMIM 244200.

Allele frequency attached by ClinVar (database versions not stated): TOPMed 0.00001; gnomAD exomes 0.00002 and 0.00003; ExAC 0.00003; 1000 Genomes Project 0.00040; 1000 Genomes Project 30x 0.00047.
gnomAD v4.1: 28 of 1,614,196 alleles (0.0017%); highest among the groups gnomAD compares: South Asian, 0.0088%; no homozygotes.

Submission:

Illumina Laboratory Services, Illumina
Classification: Likely benign for Hypogonadotropic hypogonadism 3 with or without anosmia. Last evaluated: 2018-01-12. Review status: criteria provided, single submitter. Criteria: ICSL Variant Classification Criteria 13 December 2019. Collection method: clinical testing. Allele origin: germline.
Comment: This variant was observed in the ICSL laboratory as part of a predisposition screen in an ostensibly healthy population. It had not been previously curated by ICSL or reported in the Human Gene Mutation Database (HGMD: prior to June 1st, 2018), and was therefore a candidate for classification through an automated scoring system. Utilizing variant allele frequency, disease prevalence and penetrance estimates, and inheritance mode, an automated score was calculated to assess if this variant is too frequent to cause the disease. Based on the score and internal cut-off values, a variant classified as likely benign is not then subjected to further curation. The score for this variant resulted in a classification of likely benign for this disease.